The following is an entry in ClinVar:

NM_015225.3(PRUNE2):c.6498T>C (p.Thr2166=)

Gene: PRUNE2 (prune homolog 2 with BCH domain; minus strand). Cytogenetic location: 9q21.2.
Variant type: single nucleotide variant.
Coding change: c.6498T>C on transcript NM_015225.3 (MANE Select); coding-DNA position 6498, T replaced by C.
Protein change: p.Thr2166=; no amino-acid change (threonine 2166 retained).
Molecular consequence: synonymous variant. On other transcripts: non-coding transcript variant (1).
Genome position (GRCh38, 1-based): chr9:76,705,776, A>G on the plus strand (T>C on the coding strand, the complement: PRUNE2 is on the minus strand). VCF-style: chr9-76705776-A-G. GRCh37 (hg19) VCF-style: chr9-79320692-A-G.
Other names: c.6498T>C, p.Thr2166= (NM_001308047.2, NM_001308048.2).
Identifiers: ClinVar variation 4084036 (VCV004084036.8).

ClinVar aggregate classification (germline): Likely benign (1 of 4 stars; one submission).

gnomAD v4.1: 386 of 1,613,840 alleles (0.024%); highest among the groups gnomAD compares: Non-Finnish European, 0.032%; no homozygotes.

Submission:

CeGaT Center for Human Genetics Tuebingen
Classification: Likely benign. Last evaluated: 2025-07-01. Review status: criteria provided, single submitter. Criteria: CeGaT Center For Human Genetics Tuebingen Variant Classification Criteria Version 2. Collection method: clinical testing. Allele origin: germline. Affected: yes. Observed: 1 variant allele.
Comment: PRUNE2: BP4, BP7